The following is an entry in ClinVar:

ClinVar aggregate classification (germline): Conflicting classifications of pathogenicity. Review status: criteria provided, conflicting classifications (1 of 4 stars). 5 submissions from 5 submitters: Uncertain significance (3); Likely benign (2). Last evaluated 2025-06-11.

Conditions:
Hereditary cancer-predisposing syndrome. Also called: Hereditary neoplastic syndrome; Neoplastic Syndromes, Hereditary; Tumor predisposition; Hereditary Cancer Syndrome. Identifiers: Orphanet 140162, MedGen C0027672, MeSH D009386, MONDO:0015356.
Hereditary breast ovarian cancer syndrome. Also called: Hereditary breast and ovarian cancer syndrome (HBOC); Breast and ovarian cancer; Hereditary breast and/or ovarian cancer syndrome; BRCA1- and BRCA2-Associated Hereditary Breast and Ovarian Cancer; Hereditary breast and ovarian cancer syndrome; Hereditary breast and ovarian cancer. Identifiers: Orphanet 145, MedGen C0677776, MeSH D061325, MONDO:0003582. Disease mechanism: loss of function.

Allele frequency attached by ClinVar (database versions not stated): gnomAD exomes below 0.00001; ExAC 0.00001.
gnomAD v4.1: 3 of 1,609,924 alleles (0.00019%); highest among the groups gnomAD compares: South Asian, 0.0033%; no homozygotes.

Submissions (5):

Labcorp Genetics (formerly Invitae), Labcorp
Classification: Uncertain significance for Hereditary breast ovarian cancer syndrome. Last evaluated: 2025-06-11. Review status: criteria provided, single submitter. Criteria: Invitae Variant Classification Sherloc (09022015). Collection method: clinical testing. Allele origin: germline.
Comment: This sequence change replaces alanine, which is neutral and non-polar, with threonine, which is neutral and polar, at codon 2185 of the BRCA2 protein (p.Ala2185Thr). The frequency data for this variant in the population databases is considered unreliable, as metrics indicate poor data quality at this position in the gnomAD database. This variant has not been reported in the literature in individuals affected with BRCA2-related conditions. ClinVar contains an entry for this variant (Variation ID: 185884). Invitae Evidence Modeling of protein sequence and biophysical properties (such as structural, functional, and spatial information, amino acid conservation, physicochemical variation, residue mobility, and thermodynamic stability) indicates that this missense variant is not expected to disrupt BRCA2 protein function with a negative predictive value of 95%. In summary, the available evidence is currently insufficient to determine the role of this variant in disease. Therefore, it has been classified as a Variant of Uncertain Significance.

Quest Diagnostics Nichols Institute San Juan Capistrano
Classification: Uncertain significance. Last evaluated: 2025-04-29. Review status: criteria provided, single submitter. Criteria: Quest Diagnostics criteria. Collection method: clinical testing. Allele origin: unknown.
Comment: The BRCA2 c.6553G>A (p.Ala2185Thr) variant has been reported in the published literature in an individual with breast cancer (PMID: 33471991 (2021), see also LOVD). This variant has also been reported to be located in a region of the BRCA2 gene that is tolerant to missense sequence changes (PMID: 31911673 (2020)). The frequency of this variant in the general population (Genome Aggregation Database) is uninformative in the assessment of its pathogenicity. Analysis of this variant using bioinformatics tools for the prediction of the effect of amino acid changes on protein structure and function yielded predictions that this variant is benign. Based on the available information, we are unable to determine the clinical significance of this variant.

Ambry Genetics
Classification: Likely benign for Hereditary cancer-predisposing syndrome. Last evaluated: 2025-01-13. Review status: criteria provided, single submitter. Criteria: Ambry Variant Classification Scheme 2023. Collection method: clinical testing. Allele origin: germline.

University of Washington Department of Laboratory Medicine, University of Washington
Classification: Likely benign for Hereditary cancer-predisposing syndrome. Last evaluated: 2023-03-23. Review status: criteria provided, single submitter. Criteria: Dines et al. (Genet Med. 2020). Collection method: curation. Allele origin: germline.
Comment: Missense variant in a coldspot region where missense variants are very unlikely to be pathogenic (PMID:31911673).

BRCA2 exon 11 coldspot. Reclassification based on statistical prior probability.

GeneDx
Classification: Uncertain significance. Last evaluated: 2019-12-03. Review status: criteria provided, single submitter. Criteria: GeneDx Variant Classification Process June 2021. Collection method: clinical testing. Allele origin: germline. Affected: yes.
Comment: Not observed at a significant frequency in large population cohorts (Lek 2016); Has not been previously published as pathogenic or benign to our knowledge; In silico analysis, which includes protein predictors and evolutionary conservation, supports that this variant does not alter protein structure/function; Also known as 6781G>A

Literature cited by the submitters: PubMed 33471991 (cited by Quest Diagnostics Nichols Institute San Juan Capistrano); PubMed 31911673 (cited by Quest Diagnostics Nichols Institute San Juan Capistrano).

NM_000059.4(BRCA2):c.6553G>A (p.Ala2185Thr)

Gene: BRCA2 (BRCA2 DNA repair associated; plus strand). Cytogenetic location: 13q13.1.
Variant type: single nucleotide variant.
Coding change: c.6553G>A on transcript NM_000059.4 (MANE Select); coding-DNA position 6553, G replaced by A.
Protein change: p.Ala2185Thr; replaces alanine 2185 with threonine.
Molecular consequence: missense variant.
Genome position (GRCh38, 1-based): chr13:32,340,908, G>A. VCF-style: chr13-32340908-G-A. GRCh37 (hg19) VCF-style: chr13-32915045-G-A.
Other names: short protein forms A2185T.
Identifiers: ClinVar variation 185884 (VCV000185884.19), dbSNP rs746070652, ClinGen allele CA024164.